The following is an entry in ClinVar:

NM_005219.5(DIAPH1):c.3032A>C (p.Lys1011Thr)

Gene: DIAPH1 (diaphanous related formin 1; minus strand). Cytogenetic location: 5q31.3.
Variant type: single nucleotide variant.
Coding change: c.3032A>C on transcript NM_005219.5 (MANE Select); coding-DNA position 3032, A replaced by C.
Protein change: p.Lys1011Thr; replaces lysine 1011 with threonine.
Molecular consequence: missense variant.
Genome position (GRCh38, 1-based): chr5:141,528,569, T>G on the plus strand (A>C on the coding strand, the complement: DIAPH1 is on the minus strand). VCF-style: chr5-141528569-T-G. GRCh37 (hg19) VCF-style: chr5-140908136-T-G.
Other names: c.3005A>C, p.Lys1002Thr (NM_001079812.3); c.3032A>C, p.Lys1011Thr (NM_001314007.2); short protein forms K1002T, K1011T.
Identifiers: ClinVar variation 2054262 (VCV002054262.4), dbSNP rs1456440722, ClinGen allele CA361583528.

ClinVar aggregate classification (germline): Uncertain significance (1 of 4 stars; one submission).

Conditions:
Progressive microcephaly-seizures-cortical blindness-developmental delay syndrome. Also called: Seizures, cortical blindness, and microcephaly syndrome. Identifiers: Orphanet 477814, MedGen C5567650, MONDO:0014714, OMIM 616632.
Autosomal dominant nonsyndromic hearing loss 1. Also called: KONIGSMARK SYNDROME; DEAFNESS, AUTOSOMAL DOMINANT 1, WITH OR WITHOUT THROMBOCYTOPENIA. Identifiers: Orphanet 90635, MedGen C1852282, MONDO:0007424, OMIM 124900.

gnomAD v4.1: 5 of 1,614,200 alleles (0.00031%); highest among the groups gnomAD compares: Non-Finnish European, 0.00042%; no homozygotes.

Submission:

Labcorp Genetics (formerly Invitae), Labcorp
Classification: Uncertain significance for Progressive microcephaly-seizures-cortical blindness-developmental delay syndrome; Autosomal dominant nonsyndromic hearing loss 1. Last evaluated: 2022-11-01. Review status: criteria provided, single submitter. Criteria: Invitae Variant Classification Sherloc (09022015). Collection method: clinical testing. Allele origin: germline.
Comment: In summary, the available evidence is currently insufficient to determine the role of this variant in disease. Therefore, it has been classified as a Variant of Uncertain Significance. Algorithms developed to predict the effect of missense changes on protein structure and function are either unavailable or do not agree on the potential impact of this missense change (SIFT: "Deleterious"; PolyPhen-2: "Probably Damaging"; Align-GVGD: "Class C0"). This variant has not been reported in the literature in individuals affected with DIAPH1-related conditions. This variant is not present in population databases (gnomAD no frequency). This sequence change replaces lysine, which is basic and polar, with threonine, which is neutral and polar, at codon 1011 of the DIAPH1 protein (p.Lys1011Thr).